The following is an entry in ClinVar:

ClinVar aggregate classification (germline): Conflicting classifications of pathogenicity. Review status: criteria provided, conflicting classifications (1 of 4 stars). 4 submissions from 4 submitters: Uncertain significance (1); Likely benign (3). Last evaluated 2026-02-01.

Conditions:
Cardiovascular phenotype. Identifiers: MedGen CN230736.
Dilated cardiomyopathy 1DD (CMD1DD). Identifiers: Orphanet 154, MedGen C2750995, MONDO:0013168, OMIM 613172.

Allele frequency attached by ClinVar (database versions not stated): TOPMed 0.00002; 1000 Genomes Project 30x 0.00062; 1000 Genomes Project 0.00080.

Submissions (4):

Labcorp Genetics (formerly Invitae), Labcorp
Classification: Likely benign for Dilated cardiomyopathy 1DD. Last evaluated: 2026-02-01. Review status: criteria provided, single submitter. Criteria: Invitae Variant Classification Sherloc (09022015). Collection method: clinical testing. Allele origin: germline.

Ambry Genetics
Classification: Likely benign for Cardiovascular phenotype. Last evaluated: 2016-08-25. Review status: criteria provided, single submitter. Criteria: Ambry Variant Classification Scheme 2023. Collection method: clinical testing. Allele origin: germline.

Laboratory for Molecular Medicine, Mass General Brigham Personalized Medicine
Classification: Likely benign. Last evaluated: 2014-01-24. Review status: criteria provided, single submitter. Criteria: LMM Criteria. Collection method: clinical testing. Allele origin: germline. Observed: 1 variant allele.
Comment: Pro1089Thr in exon 11 of RBM20: This variant is not expected to have clinical si gnificance due to a lack of conservation across species, including mammals. Of n ote, 5 mammals have a threonine (Thr) at this position despite high nearby amino acid conservation. In addition, computational analyses (AlignGVGD and PolyPhen2 ) do not suggest a high likelihood of impact to the protein.

GeneDx
Classification: Uncertain significance. Last evaluated: 2013-10-02. Review status: criteria provided, single submitter. Criteria: GeneDx Variant Classification (06012015). Collection method: clinical testing. Allele origin: germline. Affected: yes.
Comment: p.Pro1089Thr (CCC>ACC): c.3265 C>A in exon 11 of the RBM20 gene (NM_001134363.1). The Pro1089Thr variant in the RBM20 gene has not been reported as a disease-causing mutation or as a benign polymorphism to our knowledge. Pro1089Thr was not observed in approximately 2000 individuals of European and African American ancestry in the NHLBI Exome Sequencing Project, indicating it is not a common benign variant in these populations. Although Pro1089Thr results in a non-conservative amino acid substitution of a non polar Proline with a polar Threonine, this substitution occurs at a position that is not well conserved across species. Consequently, in silico analysis predicts Pro1089Thr is benign to the protein structure/function. Only one mutation in a nearby residue (Pro1081Arg) has been reported in association with DCM (Refaat M et al., 2012). With the clinical and molecular information available at this time, we cannot definitively determine if Pro1089Thr is a disease-causing mutation or a rare benign variant. The variant is found in DCM panel(s).

NM_001134363.3(RBM20):c.3265C>A (p.Pro1089Thr)

Gene: RBM20 (RNA binding motif protein 20; plus strand). Cytogenetic location: 10q25.2.
Variant type: single nucleotide variant.
Coding change: c.3265C>A on transcript NM_001134363.3 (MANE Select); coding-DNA position 3265, C replaced by A.
Protein change: p.Pro1089Thr; replaces proline 1089 with threonine.
Molecular consequence: missense variant.
Genome position (GRCh38, 1-based): chr10:110,821,884, C>A. VCF-style: chr10-110821884-C-A. GRCh37 (hg19) VCF-style: chr10-112581642-C-A.
Other names: p.P1089T:CCC>ACC; short protein forms P1089T.
Identifiers: ClinVar variation 165049 (VCV000165049.21), dbSNP rs147356378, ClinGen allele CA177714.